The following is an entry in ClinVar:

ClinVar aggregate classification (germline): Uncertain significance (1 of 4 stars; one submission).

Allele frequency attached by ClinVar (database versions not stated): TOPMed below 0.00001.

Submission:

GeneDx
Classification: Uncertain significance. Last evaluated: 2019-10-02. Review status: criteria provided, single submitter. Criteria: GeneDx Variant Classification Process June 2021. Collection method: clinical testing. Allele origin: germline. Affected: yes.
Comment: Not observed in large population cohorts (Lek et al., 2016); In silico analysis, which includes protein predictors and evolutionary conservation, supports that this variant does not alter protein structure/function; Has not been previously published as pathogenic or benign to our knowledge

NM_007118.4(TRIO):c.1270A>G (p.Ser424Gly)

Gene: TRIO (trio Rho guanine nucleotide exchange factor; plus strand). Cytogenetic location: 5p15.2.
Variant type: single nucleotide variant.
Coding change: c.1270A>G on transcript NM_007118.4 (MANE Select); coding-DNA position 1270, A replaced by G.
Protein change: p.Ser424Gly; replaces serine 424 with glycine.
Molecular consequence: missense variant. On other transcripts: non-coding transcript variant (1).
Genome position (GRCh38, 1-based): chr5:14,297,165, A>G. VCF-style: chr5-14297165-A-G. GRCh37 (hg19) VCF-style: chr5-14297274-A-G.
Other names: short protein forms S424G.
Identifiers: ClinVar variation 1309063 (VCV001309063.2), dbSNP rs1737435979, ClinGen allele CA359216229.